The following is an entry in ClinVar:

ClinVar aggregate classification (germline): Benign (0 of 4 stars; one submission).

Conditions:
RBM12-related disorder. Also called: RBM12-related condition.

Submission:

PreventionGenetics, part of Exact Sciences
Classification: Benign for RBM12-related condition. Last evaluated: 2019-12-13. Review status: no assertion criteria provided. Collection method: clinical testing. Allele origin: germline.
Comment: This variant is classified as benign based on ACMG/AMP sequence variant interpretation guidelines (Richards et al. 2015 PMID: 25741868, with internal and published modifications).

NM_006047.6(RBM12):c.2505_2510dup (p.Pro837_Ile838insGlyPro)

Genes: CPNE1 (copine 1; minus strand), RBM12 (RNA binding motif protein 12; minus strand). Cytogenetic location: 20q11.22.
Variant type: Duplication.
Coding change: c.2505_2510dup on transcript NM_006047.6 (MANE Select); coding-DNA positions 2505 to 2510, 6 bases duplicated (TGGCCC; older notation c.2505_2510dupTGGCCC).
Protein change: p.Pro837_Ile838insGlyPro.
Molecular consequence: inframe insertion. On other transcripts: intron variant (6).
Genome position (GRCh38, 1-based): chr20:35,652,813-35,652,818, GGGCCA duplicated on the plus strand (TGGCCC on the coding strand, the reverse complement: RBM12 is on the minus strand); duplicating any 6 consecutive bases within chr20:35,652,813-35,652,823 gives the same sequence; the c. name uses the placement nearest the transcript's 3' end. VCF-style (leftmost placement, unchanged base first): chr20-35652812-T-TGGGCCA. GRCh37 (hg19) VCF-style: chr20-34240734-T-TGGGCCA.
Other names: c.2505_2510dup, p.Pro837_Ile838insGlyPro (NM_001198838.2, NM_001198840.2, NM_152838.4); c.-1+11984_-1+11989dup (NM_001198863.2, NM_152926.3); c.-1+11942_-1+11947dup (NM_152925.3); c.-1+6112_-1+6117dup (NM_152928.3, NM_152927.3); c.15+710_15+715dup (NM_003915.6).
Identifiers: ClinVar variation 3035644 (VCV003035644.2), dbSNP rs569323785, ClinGen allele CA9836516.